The following is an entry in ClinVar:

NM_015046.7(SETX):c.6935+8T>C

Gene: SETX (senataxin; minus strand). Cytogenetic location: 9q34.13.
Variant type: single nucleotide variant.
Coding change: c.6935+8T>C on transcript NM_015046.7 (MANE Select); 8 bases into the intron after coding-DNA position 6935, T replaced by C.
Molecular consequence: intron variant.
Genome position (GRCh38, 1-based): chr9:132,277,052, A>G on the plus strand (T>C on the coding strand, the complement: SETX is on the minus strand). VCF-style: chr9-132277052-A-G. GRCh37 (hg19) VCF-style: chr9-135152439-A-G.
Other names: p.?; c.6935+8T>C (NM_001351528.2, NM_001351527.2).
Identifiers: ClinVar variation 260514 (VCV000260514.28), dbSNP rs17148873, ClinGen allele CA5296571.
Genomic context (GRCh38, chr9:132,277,052, plus strand): 5'-GAAATATGAATGCAAATCATGTAACAATTCTGGGACTATCAGAGGACTGAGGCAAGAGGA[A>G]AACATACTCATTATCCCGTCTTTCTGAACCATCTCCAACATCAAACACAAGGTATGGCTG-3'

ClinVar aggregate classification (germline): Benign/Likely benign. Review status: criteria provided, multiple submitters, no conflicts (2 of 4 stars). 16 submissions from 14 submitters: Benign (10); Likely benign (1). 5 of the submissions do not count toward it. Last evaluated 2026-02-04.

Conditions:
Amyotrophic lateral sclerosis type 4 (ALS4). Also called: NEURONOPATHY, DISTAL HEREDITARY MOTOR, WITH PYRAMIDAL FEATURES; AMYOTROPHIC LATERAL SCLEROSIS 4, JUVENILE. Identifiers: Orphanet 357043, MedGen C1865409, MONDO:0011223, OMIM 602433.
Spinocerebellar ataxia, autosomal recessive, with axonal neuropathy 2 (SCAN2). Also called: ATAXIA-OCULOMOTOR APRAXIA 2; Ataxia with Oculomotor Apraxia Type 2; Ataxia-ocular apraxia-2; Ataxia with Oculomotor Apraxia. Identifiers: Orphanet 64753, MedGen C1853761, MONDO:0018996, OMIM 606002.

Allele frequency attached by ClinVar (database versions not stated): gnomAD exomes 0.08560 and 0.08828; ExAC 0.09115; gnomAD 0.09319 and 0.09462; TOPMed 0.09398; ESP Exome Variant Server 0.09419; 1000 Genomes Project 0.09465; 1000 Genomes Project 30x 0.09791.
gnomAD v4.1: 139,608 of 1,609,646 alleles (8.7%); highest among the groups gnomAD compares: Middle Eastern, 18%; 6,849 homozygotes.

Submissions (16):

Labcorp Genetics (formerly Invitae), Labcorp
Classification: Benign for Amyotrophic lateral sclerosis type 4; Spinocerebellar ataxia, autosomal recessive, with axonal neuropathy 2. Last evaluated: 2026-02-04. Review status: criteria provided, single submitter. Criteria: Invitae Variant Classification Sherloc (09022015). Collection method: clinical testing. Allele origin: germline.

Blueprint Genetics
Classification: Likely benign. Last evaluated: 2024-11-27. Review status: criteria provided, single submitter. Criteria: ACMG Guidelines, 2015. Collection method: clinical testing. Allele origin: germline.

Genome-Nilou Lab
Classification: Benign for Spinocerebellar ataxia, autosomal recessive, with axonal neuropathy 2. Last evaluated: 2023-02-08. Review status: criteria provided, single submitter. Criteria: ACMG Guidelines, 2015. Collection method: clinical testing. Allele origin: germline.

Genome-Nilou Lab
Classification: Benign for Amyotrophic lateral sclerosis type 4. Last evaluated: 2023-02-08. Review status: criteria provided, single submitter. Criteria: ACMG Guidelines, 2015. Collection method: clinical testing. Allele origin: germline.

GeneDx
Classification: Benign. Last evaluated: 2018-08-10. Review status: criteria provided, single submitter. Criteria: GeneDx Variant Classification Process June 2021. Collection method: clinical testing. Allele origin: germline. Affected: yes.

Illumina Laboratory Services, Illumina
Classification: Benign for Spinocerebellar ataxia, autosomal recessive, with axonal neuropathy 2. Last evaluated: 2018-01-13. Review status: criteria provided, single submitter. Criteria: ICSL Variant Classification Criteria 13 December 2019. Collection method: clinical testing. Allele origin: germline.
Comment: This variant was observed in the ICSL laboratory as part of a predisposition screen in an ostensibly healthy population. It had not been previously curated by ICSL or reported in the Human Gene Mutation Database (HGMD: prior to June 1st, 2018), and was therefore a candidate for classification through an automated scoring system. Utilizing variant allele frequency, disease prevalence and penetrance estimates, and inheritance mode, an automated score was calculated to assess if this variant is too frequent to cause the disease. Based on the score and internal cut-off values, a variant classified as benign is not then subjected to further curation. The score for this variant resulted in a classification of benign for this disease.

Illumina Laboratory Services, Illumina
Classification: Benign for Amyotrophic lateral sclerosis type 4. Last evaluated: 2018-01-13. Review status: criteria provided, single submitter. Criteria: ICSL Variant Classification Criteria 13 December 2019. Collection method: clinical testing. Allele origin: germline.
Comment: the same text as in the submission from Illumina Laboratory Services, Illumina above.

Athena Diagnostics
Classification: Benign. Last evaluated: 2017-04-11. Review status: criteria provided, single submitter. Criteria: Athena Diagnostics Criteria. Collection method: clinical testing. Allele origin: germline.

Mayo Clinic Laboratories, Mayo Clinic
Classification: Benign. Last evaluated: 2016-04-13. Review status: criteria provided, single submitter. Criteria: ACMG Guidelines, 2015. Collection method: clinical testing. Allele origin: germline. Observed: 421 variant alleles.

Breakthrough Genomics
Classification: Benign. Review status: criteria provided, single submitter. Criteria: ACMG Guidelines, 2015. Collection method: not provided. Allele origin: germline. Inheritance: Autosomal recessive inheritance. Affected: yes.

PreventionGenetics, part of Exact Sciences
Classification: Benign. Review status: criteria provided, single submitter. Criteria: ACMG Guidelines, 2015. Collection method: clinical testing. Allele origin: germline.

Clinical Genetics DNA and cytogenetics Diagnostics Lab, Erasmus MC, Erasmus Medical Center
Classification: Benign. Review status: no assertion criteria provided. Collection method: clinical testing. Allele origin: germline. Affected: yes. Study: VKGL Data-share Consensus. Not counted in ClinVar's aggregate classification.

Clinical Genetics, Academic Medical Center
Classification: Benign. Review status: no assertion criteria provided. Collection method: clinical testing. Allele origin: germline. Affected: yes. Study: VKGL Data-share Consensus. Not counted in ClinVar's aggregate classification.

Genome Diagnostics Laboratory, Amsterdam University Medical Center
Classification: Benign. Review status: no assertion criteria provided. Collection method: clinical testing. Allele origin: germline. Affected: yes. Study: VKGL Data-share Consensus. Not counted in ClinVar's aggregate classification.

Genome Diagnostics Laboratory, University Medical Center Utrecht
Classification: Benign. Review status: no assertion criteria provided. Collection method: clinical testing. Allele origin: germline. Affected: yes. Study: VKGL Data-share Consensus. Not counted in ClinVar's aggregate classification.

Joint Genome Diagnostic Labs from Nijmegen and Maastricht, Radboudumc and MUMC+
Classification: Benign. Review status: no assertion criteria provided. Collection method: clinical testing. Allele origin: germline. Affected: yes. Study: VKGL Data-share Consensus. Not counted in ClinVar's aggregate classification.